The following is an entry in ClinVar:

NM_001039958.2(MESP2):c.135C>A (p.Cys45Ter)

Gene: MESP2 (mesoderm posterior bHLH transcription factor 2; plus strand). Cytogenetic location: 15q26.1.
Variant type: single nucleotide variant.
Coding change: c.135C>A on transcript NM_001039958.2 (MANE Select); coding-DNA position 135, C replaced by A.
Protein change: p.Cys45Ter; replaces cysteine 45 with a stop codon.
Molecular consequence: nonsense.
Genome position (GRCh38, 1-based): chr15:89,776,492, C>A. VCF-style: chr15-89776492-C-A. GRCh37 (hg19) VCF-style: chr15-90319723-C-A.
Other names: short protein forms C45*.
Identifiers: ClinVar variation 2416025 (VCV002416025.6), dbSNP rs2505184851, ClinGen allele CA393769166.
Genomic context (GRCh38, chr15:89,776,492, plus strand): 5'-CGGCCACTGGGACTCCACGTCCCCGGCCTCCTCCTCCGATTCGTCGGGTTCGTGCCCCTG[C>A]GACGGCGCCCGCGGACTCCCGCAGCCACAGCCTCCGAGCTGCAGCTCCCGAGCCGCAGAG-3'

ClinVar aggregate classification (germline): Pathogenic (1 of 4 stars; one submission).

gnomAD v4.1: 1 of 1,533,502 alleles (0.000065%); highest among the groups gnomAD compares: Non-Finnish European, 0.000087%; no homozygotes.

Submission:

Labcorp Genetics (formerly Invitae), Labcorp
Classification: Pathogenic. Last evaluated: 2022-03-09. Review status: criteria provided, single submitter. Criteria: Invitae Variant Classification Sherloc (09022015). Collection method: clinical testing. Allele origin: germline.
Comment: This sequence change creates a premature translational stop signal (p.Cys45*) in the MESP2 gene. It is expected to result in an absent or disrupted protein product. Loss-of-function variants in MESP2 are known to be pathogenic (PMID: 9242490, 18485326). For these reasons, this variant has been classified as Pathogenic. This variant has not been reported in the literature in individuals affected with MESP2-related conditions. This variant is not present in population databases (gnomAD no frequency).

Literature cited by the submitters: PubMed 9242490; PubMed 18485326.